The following is an entry in ClinVar:

NM_014000.3(VCL):c.358T>C (p.Ser120Pro)

Gene: VCL (vinculin; plus strand). Cytogenetic location: 10q22.2.
Variant type: single nucleotide variant.
Coding change: c.358T>C on transcript NM_014000.3 (MANE Select); coding-DNA position 358, T replaced by C.
Protein change: p.Ser120Pro; replaces serine 120 with proline.
Molecular consequence: missense variant.
Genome position (GRCh38, 1-based): chr10:74,070,788, T>C. VCF-style: chr10-74070788-T-C. GRCh37 (hg19) VCF-style: chr10-75830546-T-C.
Other names: c.358T>C, p.Ser120Pro (NM_003373.4); short protein forms S120P.
Identifiers: ClinVar variation 4824341 (VCV004824341.1).

ClinVar aggregate classification (germline): Uncertain significance (1 of 4 stars; one submission).

Conditions:
Cardiovascular phenotype. Identifiers: MedGen CN230736.

Submission:

Ambry Genetics
Classification: Uncertain significance for Cardiovascular phenotype. Last evaluated: 2026-02-14. Review status: criteria provided, single submitter. Criteria: Ambry Variant Classification Scheme 2023. Collection method: clinical testing. Allele origin: germline.
Comment: The p.S120P variant (also known as c.358T>C), located in coding exon 3 of the VCL gene, results from a T to C substitution at nucleotide position 358. The serine at codon 120 is replaced by proline, an amino acid with similar properties. This amino acid position is conserved. In addition, this alteration is predicted to be deleterious by in silico analysis. Based on the available evidence, the clinical significance of this variant remains unclear.